The following is an entry in ClinVar:

ClinVar aggregate classification (germline): Benign (1 of 4 stars; one submission).

Conditions:
Nephronophthisis-like nephropathy 1 (NPHPL1). Identifiers: Orphanet 655, MedGen C3150419, MONDO:0013163, OMIM 613159.

Allele frequency attached by ClinVar (database versions not stated): gnomAD 0.01229 and 0.01309; TOPMed 0.01397; 1000 Genomes Project 0.01677; 1000 Genomes Project 30x 0.01749.

Submission:

Illumina Laboratory Services, Illumina
Classification: Benign for Nephronophthisis-like nephropathy 1. Last evaluated: 2018-01-12. Review status: criteria provided, single submitter. Criteria: ICSL Variant Classification Criteria 13 December 2019. Collection method: clinical testing. Allele origin: germline.
Comment: This variant was observed in the ICSL laboratory as part of a predisposition screen in an ostensibly healthy population. It had not been previously curated by ICSL or reported in the Human Gene Mutation Database (HGMD: prior to June 1st, 2018), and was therefore a candidate for classification through an automated scoring system. Utilizing variant allele frequency, disease prevalence and penetrance estimates, and inheritance mode, an automated score was calculated to assess if this variant is too frequent to cause the disease. Based on the score and internal cut-off values, a variant classified as benign is not then subjected to further curation. The score for this variant resulted in a classification of benign for this disease.

NM_022098.4(XPNPEP3):c.*3411T>C

Gene: XPNPEP3 (X-prolyl aminopeptidase 3; plus strand). Cytogenetic location: 22q13.2.
Variant type: single nucleotide variant.
Coding change: c.*3411T>C on transcript NM_022098.4 (MANE Select); 3411 bases downstream of the stop codon, T replaced by C.
Molecular consequence: 3 prime UTR variant.
Genome position (GRCh38, 1-based): chr22:40,929,846, T>C. VCF-style: chr22-40929846-T-C. GRCh37 (hg19) VCF-style: chr22-41325850-T-C.
Identifiers: ClinVar variation 341734 (VCV000341734.5), dbSNP rs115221268, ClinGen allele CA10654148.